The following is an entry in ClinVar:

NM_007294.4(BRCA1):c.2075A>G (p.His692Arg)

Gene: BRCA1 (BRCA1 DNA repair associated; minus strand). Cytogenetic location: 17q21.31.
Variant type: single nucleotide variant.
Coding change: c.2075A>G on transcript NM_007294.4 (MANE Select); coding-DNA position 2075, A replaced by G.
Protein change: p.His692Arg; replaces histidine 692 with arginine.
Molecular consequence: missense variant. On other transcripts: intron variant (137).
Genome position (GRCh38, 1-based): chr17:43,093,456, T>C on the plus strand (A>G on the coding strand, the complement: BRCA1 is on the minus strand). VCF-style: chr17-43093456-T-C. GRCh37 (hg19) VCF-style: chr17-41245473-T-C.
Other names: c.1934A>G, p.His645Arg (NM_001407738.1, NM_001407739.1, NM_001407734.1 and 29 more transcripts); c.1931A>G, p.His644Arg (NM_001407744.1, NM_001407742.1, NM_001407740.1 and 20 more transcripts); c.1862A>G, p.His621Arg (NM_001407853.1, NM_001407894.1, NM_001407895.1 and 9 more transcripts); c.2075A>G, p.His692Arg (NM_001407854.1, NM_001407858.1, NM_001407859.1 and 30 more transcripts); c.2072A>G, p.His691Arg (NM_001407860.1, NM_001407861.1, NM_001407587.1 and 22 more transcripts); c.1874A>G, p.His625Arg (NM_001407862.1); c.1952A>G, p.His651Arg (NM_001407863.1, NM_001407919.1, NM_001407937.1 and 19 more transcripts); c.1871A>G, p.His624Arg (NM_001407874.1, NM_001407875.1); and 40 more; short protein forms H524R, H581R, H604R, H622R, H625R, H691R, H396R, H644R.
Identifiers: ClinVar variation 1785447 (VCV001785447.10), dbSNP rs2053831947, ClinGen allele CA10597851.
Genomic context (GRCh38, chr17:43,093,456, plus strand): 5'-CACTTAGTAAAAGAACCAGGTGCATTTGTTAACTTCAGCTCTGGGAAAGTATCGCTGTCA[T>C]GTCTTTTACTTGTCTGTTCATTTGGCTTGTTACTCTTCTTGGCTCCAGTTGCAGGTTCTT-3'
Protein context (NP_009225.1, residues 682-702): NKPNEQTSKR[His692Arg]DSDTFPELKL

ClinVar aggregate classification (germline): Conflicting classifications of pathogenicity. Review status: criteria provided, conflicting classifications (1 of 4 stars). 3 submissions from 3 submitters: Uncertain significance (2); Likely benign (1). Last evaluated 2024-04-12.

Conditions:
Hereditary cancer-predisposing syndrome. Also called: Neoplastic Syndromes, Hereditary; Tumor predisposition; Hereditary Cancer Syndrome; Hereditary neoplastic syndrome. Identifiers: Orphanet 140162, MedGen C0027672, MeSH D009386, MONDO:0015356.
Hereditary breast ovarian cancer syndrome. Also called: Hereditary breast and ovarian cancer; Hereditary breast and ovarian cancer syndrome (HBOC); Hereditary breast and ovarian cancer syndrome; Breast and ovarian cancer; Hereditary breast and/or ovarian cancer syndrome; BRCA1- and BRCA2-Associated Hereditary Breast and Ovarian Cancer. Identifiers: Orphanet 145, MedGen C0677776, MeSH D061325, MONDO:0003582. Disease mechanism: loss of function.

Allele frequency attached by ClinVar (database versions not stated): gnomAD exomes below 0.00001; gnomAD 0.00001.
gnomAD v4.1: 5 of 1,613,960 alleles (0.00031%); highest among the groups gnomAD compares: Non-Finnish European, 0.00034%; no homozygotes.

Submissions (3):

Ambry Genetics
Classification: Uncertain significance for Hereditary cancer-predisposing syndrome. Last evaluated: 2024-04-12. Review status: criteria provided, single submitter. Criteria: Ambry Variant Classification Scheme 2023. Collection method: clinical testing. Allele origin: germline.
Comment: The p.H692R variant (also known as c.2075A>G), located in coding exon 9 of the BRCA1 gene, results from an A to G substitution at nucleotide position 2075. The histidine at codon 692 is replaced by arginine, an amino acid with highly similar properties. This alteration was identified in an individual diagnosed with ovarian cancer (Yoshihara K et al. Cancer Sci, 2020 Sep;111:3350-3358). This amino acid position is not well conserved in available vertebrate species. In addition, this alteration is predicted to be tolerated by in silico analysis. Based on the available evidence, the clinical significance of this variant remains unclear.

Labcorp Genetics (formerly Invitae), Labcorp
Classification: Uncertain significance for Hereditary breast ovarian cancer syndrome. Last evaluated: 2024-01-04. Review status: criteria provided, single submitter. Criteria: Invitae Variant Classification Sherloc (09022015). Collection method: clinical testing. Allele origin: germline.
Comment: This sequence change replaces histidine, which is basic and polar, with arginine, which is basic and polar, at codon 692 of the BRCA1 protein (p.His692Arg). This variant is not present in population databases (gnomAD no frequency). This variant has not been reported in the literature in individuals affected with BRCA1-related conditions. ClinVar contains an entry for this variant (Variation ID: 1785447). Advanced modeling of protein sequence and biophysical properties (such as structural, functional, and spatial information, amino acid conservation, physicochemical variation, residue mobility, and thermodynamic stability) performed at Invitae indicates that this missense variant is not expected to disrupt BRCA1 protein function with a negative predictive value of 95%. In summary, the available evidence is currently insufficient to determine the role of this variant in disease. Therefore, it has been classified as a Variant of Uncertain Significance.

University of Washington Department of Laboratory Medicine, University of Washington
Classification: Likely benign for Hereditary cancer-predisposing syndrome. Last evaluated: 2023-03-23. Review status: criteria provided, single submitter. Criteria: Dines et al. (Genet Med. 2020). Collection method: curation. Allele origin: germline.
Comment: Missense variant in a coldspot region where missense variants are very unlikely to be pathogenic (PMID:31911673).

BRCA1 coldspot (exon 11 using historical exon numbering). Reclassification based on statistical prior probability

Literature cited by the submitters: PubMed 32495382 (cited by Ambry Genetics).